The following is an entry in ClinVar:

ClinVar aggregate classification (germline): Likely benign. Review status: reviewed by expert panel (3 of 4 stars). 5 submissions from 5 submitters: Likely benign (1). 4 of the submissions do not count toward it. Last evaluated 2017-06-29.

Conditions:
Hereditary breast ovarian cancer syndrome. Also called: Breast and ovarian cancer; Hereditary breast and ovarian cancer; Hereditary breast and ovarian cancer syndrome; Hereditary breast and/or ovarian cancer syndrome; BRCA1- and BRCA2-Associated Hereditary Breast and Ovarian Cancer; Hereditary breast and ovarian cancer syndrome (HBOC). Identifiers: Orphanet 145, MedGen C0677776, MeSH D061325, MONDO:0003582. Disease mechanism: loss of function.
Breast-ovarian cancer, familial, susceptibility to, 1 (BROVCA1). Also called: BRCA1 Hereditary Breast and Ovarian Cancer; OVARIAN CANCER, SUSCEPTIBILITY TO. Identifiers: Orphanet 145, MedGen C2676676, MONDO:0011450, OMIM 604370. Disease mechanism: loss of function.
Hereditary cancer-predisposing syndrome. Also called: Tumor predisposition; Hereditary Cancer Syndrome; Neoplastic Syndromes, Hereditary; Hereditary neoplastic syndrome. Identifiers: Orphanet 140162, MedGen C0027672, MeSH D009386, MONDO:0015356.
BRCA1-related cancer predisposition. Identifiers: MedGen CN377757, MONDO:0700268.

Allele frequency attached by ClinVar (database versions not stated): gnomAD exomes below 0.00001.
gnomAD v4.1: 2 of 1,614,012 alleles (0.00012%); highest among the groups gnomAD compares: Non-Finnish European, 0.00017%; no homozygotes.

Submissions (5):

Evidence-based Network for the Interpretation of Germline Mutant Alleles (ENIGMA)
Classification: Likely benign for Breast-ovarian cancer, familial, susceptibility to, 1. Last evaluated: 2017-06-29. Review status: reviewed by expert panel. Criteria: ENIGMA BRCA1/2 Classification Criteria (2017-06-29). Collection method: curation. Allele origin: germline.
Comment: Synonymous substitution variant, with low bioinformatic likelihood to result in a splicing aberration (Splicing prior probability 0.02).

Labcorp Genetics (formerly Invitae), Labcorp
Classification: Likely benign for Hereditary breast ovarian cancer syndrome. Last evaluated: 2024-12-09. Review status: criteria provided, single submitter. Criteria: Invitae Variant Classification Sherloc (09022015). Collection method: clinical testing. Allele origin: germline. Not counted in ClinVar's aggregate classification.

All of Us Research Program, National Institutes of Health
Classification: Likely benign for BRCA1-related cancer predisposition. Last evaluated: 2024-03-24. Review status: criteria provided, single submitter. Criteria: ACMG Guidelines, 2015. Collection method: clinical testing. Allele origin: germline. Inheritance: Autosomal dominant inheritance. Observed: 1 variant allele, 1 heterozygote. Not counted in ClinVar's aggregate classification.
Comment: This study involves interpretation of variants in research participants for the purpose of population health screening. Participant phenotype was not available at the time of variant classification. Additional details can be found in publication PMID: 35346344, PMCID: PMC8962531

Ambry Genetics
Classification: Likely benign for Hereditary cancer-predisposing syndrome. Last evaluated: 2016-11-02. Review status: criteria provided, single submitter. Criteria: Ambry Variant Classification Scheme 2023. Collection method: clinical testing. Allele origin: germline. Not counted in ClinVar's aggregate classification.

GeneDx
Classification: Likely benign. Last evaluated: 2016-10-28. Review status: criteria provided, single submitter. Criteria: GeneDx Variant Classification (06012015). Collection method: clinical testing. Allele origin: germline. Affected: yes. Not counted in ClinVar's aggregate classification.
Comment: This variant is considered likely benign or benign based on one or more of the following criteria: it is a conservative change, it occurs at a poorly conserved position in the protein, it is predicted to be benign by multiple in silico algorithms, and/or has population frequency not consistent with disease.

NM_007294.4(BRCA1):c.1017G>A (p.Lys339=)

Gene: BRCA1 (BRCA1 DNA repair associated; minus strand). Cytogenetic location: 17q21.31.
Variant type: single nucleotide variant.
Coding change: c.1017G>A on transcript NM_007294.4 (MANE Select); coding-DNA position 1017, G replaced by A.
Protein change: p.Lys339=; no amino-acid change (lysine 339 retained).
Molecular consequence: synonymous variant. On other transcripts: intron variant (137).
Genome position (GRCh38, 1-based): chr17:43,094,514, C>T on the plus strand (G>A on the coding strand, the complement: BRCA1 is on the minus strand). VCF-style: chr17-43094514-C-T. GRCh37 (hg19) VCF-style: chr17-41246531-C-T.
Other names: c.804G>A, p.Lys268= (NM_001407571.1, NM_001407853.1, NM_001407894.1 and 9 more transcripts); c.1017G>A, p.Lys339= (NM_001407581.1, NM_001407582.1, NM_001407583.1 and 30 more transcripts); c.1014G>A, p.Lys338= (NM_001407587.1, NM_001407590.1, NM_001407591.1 and 22 more transcripts); c.1008G>A, p.Lys336= (NM_001407646.1, NM_001407647.1); c.894G>A, p.Lys298= (NM_001407648.1, NM_001407664.1, NM_001407665.1 and 19 more transcripts); c.891G>A, p.Lys297= (NM_001407649.1, NM_001407670.1, NM_001407671.1 and 11 more transcripts); c.939G>A, p.Lys313= (NM_001407653.1, NM_001407654.1, NM_001407655.1 and 4 more transcripts); c.936G>A, p.Lys312= (NM_001407659.1, NM_001407660.1, NM_001407661.1 and 1 more transcripts); and 40 more.
Identifiers: ClinVar variation 215867 (VCV000215867.20), dbSNP rs863224416, ClinGen allele CA338001.
Genomic context (GRCh38, chr17:43,094,514, plus strand): 5'-TGGCAGTTTCTGCTTATTCCATTCTTTTCTCTCACACAGGGGATCAGCATTCAGATCTAC[C>T]TTTTTTTCTGTGCTGGGAGTCCGCCTATCATTACATGTTTCCTTACTTCCAGCCCATCTG-3'
Protein context (NP_009225.1, residues 329-349): NDRRTPSTEK[Lys339=]VDLNADPLCE